The following is an entry in ClinVar:

ClinVar aggregate classification (germline): Uncertain significance (1 of 4 stars; one submission).

Submission:

Labcorp Genetics (formerly Invitae), Labcorp
Classification: Uncertain significance. Last evaluated: 2023-05-14. Review status: criteria provided, single submitter. Criteria: Invitae Variant Classification Sherloc (09022015). Collection method: clinical testing. Allele origin: germline.
Comment: This variant is not present in population databases (gnomAD no frequency). Algorithms developed to predict the effect of missense changes on protein structure and function output the following: SIFT: "Not Available"; PolyPhen-2: "Benign"; Align-GVGD: "Not Available". The glycine amino acid residue is found in multiple mammalian species, which suggests that this missense change does not adversely affect protein function. This variant has not been reported in the literature in individuals affected with IMPG1-related conditions. This sequence change replaces glutamic acid, which is acidic and polar, with glycine, which is neutral and non-polar, at codon 49 of the IMPG1 protein (p.Glu49Gly). In summary, the available evidence is currently insufficient to determine the role of this variant in disease. Therefore, it has been classified as a Variant of Uncertain Significance.

NM_001563.4(IMPG1):c.146A>G (p.Glu49Gly)

Gene: IMPG1 (interphotoreceptor matrix proteoglycan 1; minus strand). Cytogenetic location: 6q14.1.
Variant type: single nucleotide variant.
Coding change: c.146A>G on transcript NM_001563.4 (MANE Select); coding-DNA position 146, A replaced by G.
Protein change: p.Glu49Gly; replaces glutamic acid 49 with glycine.
Molecular consequence: missense variant. On other transcripts: intron variant (1).
Genome position (GRCh38, 1-based): chr6:76,042,048, T>C on the plus strand (A>G on the coding strand, the complement: IMPG1 is on the minus strand). VCF-style: chr6-76042048-T-C. GRCh37 (hg19) VCF-style: chr6-76751765-T-C.
Other names: c.68-7261A>G (NM_001282368.2); short protein forms E49G.
Identifiers: ClinVar variation 2784772 (VCV002784772.3), dbSNP rs2481539219, ClinGen allele CA364829871.